The following is an entry in ClinVar:

NM_005428.4(VAV1):c.2439C>A (p.Asn813Lys)

Gene: VAV1 (vav guanine nucleotide exchange factor 1; plus strand). Cytogenetic location: 19p13.3.
Variant type: single nucleotide variant.
Coding change: c.2439C>A on transcript NM_005428.4 (MANE Select); coding-DNA position 2439, C replaced by A.
Protein change: p.Asn813Lys; replaces asparagine 813 with lysine.
Molecular consequence: missense variant.
Genome position (GRCh38, 1-based): chr19:6,854,053, C>A. VCF-style: chr19-6854053-C-A. GRCh37 (hg19) VCF-style: chr19-6854064-C-A.
Other names: c.2373C>A, p.Asn791Lys (NM_001258206.2); c.2343C>A, p.Asn781Lys (NM_001258207.2); short protein forms N813K, N781K, N791K.
Identifiers: ClinVar variation 1520724 (VCV001520724.8), dbSNP rs2144835504, ClinGen allele CA403638147.

ClinVar aggregate classification (germline): Uncertain significance (1 of 4 stars; one submission).

Allele frequency attached by ClinVar (database versions not stated): gnomAD exomes below 0.00001.
gnomAD v4.1: 1 of 1,613,878 alleles (0.000062%); highest among the groups gnomAD compares: Non-Finnish European, 0.000085%; no homozygotes.

Submission:

Labcorp Genetics (formerly Invitae), Labcorp
Classification: Uncertain significance. Last evaluated: 2022-01-07. Review status: criteria provided, single submitter. Criteria: Invitae Variant Classification Sherloc (09022015). Collection method: clinical testing. Allele origin: germline.
Comment: In summary, the available evidence is currently insufficient to determine the role of this variant in disease. Therefore, it has been classified as a Variant of Uncertain Significance. Algorithms developed to predict the effect of missense changes on protein structure and function (SIFT, PolyPhen-2, Align-GVGD) all suggest that this variant is likely to be tolerated. This variant has not been reported in the literature in individuals affected with VAV1-related conditions. This variant is not present in population databases (gnomAD no frequency). This sequence change replaces asparagine, which is neutral and polar, with lysine, which is basic and polar, at codon 813 of the VAV1 protein (p.Asn813Lys).